The following is an entry in ClinVar:

NM_001372044.2(SHANK3):c.87_102del (p.Ala30fs)

Gene: SHANK3 (SH3 and multiple ankyrin repeat domains 3; plus strand). Cytogenetic location: 22q13.33.
Variant type: Deletion.
Coding change: c.87_102del on transcript NM_001372044.2 (MANE Select); coding-DNA positions 87 to 102, 16 bases deleted (GGCCCCCCCCGGCCCC).
Protein change: p.Ala30fs; shifts the reading frame from alanine 30.
Molecular consequence: frameshift variant.
Genome position (GRCh38, 1-based): chr22:50,674,501-50,674,516, GGCCCCCCCCGGCCCC deleted; deleting any 16 consecutive bases within chr22:50,674,491-50,674,516 gives the same sequence; the c. name uses the placement nearest the transcript's 3' end. VCF-style (leftmost placement, unchanged base first): chr22-50674490-GCCCCGGCCCCGGCCCC-G. GRCh37 (hg19) VCF-style: chr22-51112918-GCCCCGGCCCCGGCCCC-G.
Other names: c.87_102delGGCCCCCCCCGGCCCC (NM_001372044.2); short protein forms A30fs.
Identifiers: ClinVar variation 4852236 (VCV004852236.1).

ClinVar aggregate classification (germline): Likely pathogenic (1 of 4 stars; one submission).

Conditions:
Phelan-McDermid syndrome. Also called: TELOMERIC 22q13 MONOSOMY SYNDROME; 22q13.3 deletion syndrome; Phelan-McDermid Syndrome-SHANK3 Related. Identifiers: Orphanet 48652, MedGen C1853490, MONDO:0011652, OMIM 606232.

Submission:

Variantyx, Inc.
Classification: Likely pathogenic for Phelan-McDermid syndrome. Last evaluated: 2025-12-30. Review status: criteria provided, single submitter. Criteria: Variantyx Assertion Criteria 2022. Collection method: clinical testing. Allele origin: germline. Inheritance: Autosomal dominant inheritance. Affected: yes.
Comment: This is a frameshift variant in the SHANK3 gene (OMIM: 606230). Pathogenic variants in this gene have been associated with autosomal dominant Phelan-McDermid syndrome. This variant introduces a premature termination codon in exon 4 out of 23and is expected to result in loss of function, which is a known disease mechanism for SHANK3 in this disorder (PMID: 31061091, 20301377) (PVS1). This variant is absent from control populations (PM2),. and it has not been reported in individuals with SHANK3-related disorders in the databases available for review. Based on the current evidence, this variant is classified as likely pathogenic for autosomal dominant Phelan-McDermid syndrome.

Literature cited by the submitters: PubMed 31061091; PubMed 20301377.